The following is an entry in ClinVar:

ClinVar aggregate classification (germline): Benign. Review status: criteria provided, multiple submitters, no conflicts (2 of 4 stars). 5 submissions from 5 submitters: Benign (5). Last evaluated 2026-02-02.

Conditions:
Leukodystrophy, hypomyelinating, 7, with or without oligodontia and/or hypogonadotropic hypogonadism (HLD7). Also called: Ataxia, Delayed Dentition and Hypomyelination (ADDH); LEUKODYSTROPHY, HYPOMYELINATING, 7, WITH OLIGODONTIA; LEUKODYSTROPHY, HYPOMYELINATING, 7, WITH OLIGODONTIA AND HYPOGONADOTROPIC HYPOGONADISM; LEUKODYSTROPHY, HYPOMYELINATING, 7, WITHOUT OLIGODONTIA OR HYPOGONADOTROPIC HYPOGONADISM; LEUKOENCEPHALOPATHY, HYPOMYELINATING, WITH ATAXIA AND DELAYED DENTITION; ATAXIA, DELAYED DENTITION, AND HYPOMYELINATION. Identifiers: Orphanet 137639, Orphanet 447893, Orphanet 447896, Orphanet 77295, Orphanet 88637, MedGen CN034185, MONDO:0011897, OMIM 607694.

Allele frequency attached by ClinVar (database versions not stated): gnomAD exomes 0.00528 and 0.01398; ExAC 0.01756; gnomAD 0.05469 and 0.05870; 1000 Genomes Project 0.06090; TOPMed 0.06333; 1000 Genomes Project 30x 0.06402; ESP Exome Variant Server 0.06497.
gnomAD v4.1: 16,373 of 1,613,958 alleles (1%); highest among the groups gnomAD compares: African/African-American, 19%; 1,437 homozygotes.

Submissions 1 to 28 of 55:

Labcorp Genetics (formerly Invitae), Labcorp
Classification: Benign. Last evaluated: 2026-02-02. Review status: criteria provided, single submitter. Criteria: Invitae Variant Classification Sherloc (09022015). Collection method: clinical testing. Allele origin: germline.

Mayo Clinic Laboratories, Mayo Clinic
Classification: Benign. Last evaluated: 2023-01-23. Review status: criteria provided, single submitter. Criteria: ACMG Guidelines, 2015. Collection method: clinical testing. Allele origin: germline. Observed: 17 variant alleles.

GeneDx
Classification: Benign. Last evaluated: 2021-04-16. Review status: criteria provided, single submitter. Criteria: GeneDx Variant Classification Process June 2021. Collection method: clinical testing. Allele origin: germline. Affected: yes.

Illumina Laboratory Services, Illumina
Classification: Benign for Leukodystrophy, hypomyelinating, 7, with or without oligodontia and/or hypogonadotropic hypogonadism. Last evaluated: 2018-01-12. Review status: criteria provided, single submitter. Criteria: ICSL Variant Classification Criteria 13 December 2019. Collection method: clinical testing. Allele origin: germline.
Comment: This variant was observed in the ICSL laboratory as part of a predisposition screen in an ostensibly healthy population. It had not been previously curated by ICSL or reported in the Human Gene Mutation Database (HGMD: prior to June 1st, 2018), and was therefore a candidate for classification through an automated scoring system. Utilizing variant allele frequency, disease prevalence and penetrance estimates, and inheritance mode, an automated score was calculated to assess if this variant is too frequent to cause the disease. Based on the score and internal cut-off values, a variant classified as benign is not then subjected to further curation. The score for this variant resulted in a classification of benign for this disease.

Breakthrough Genomics
Classification: Benign. Review status: criteria provided, single submitter. Criteria: ACMG Guidelines, 2015. Collection method: not provided. Allele origin: germline. Inheritance: Autosomal recessive inheritance. Affected: yes.

Dr. Peter K. Rogan Lab, Western University
No classification provided (evidence only). Condition: Clear cell carcinoma of kidney. Review status: no classification provided. Collection method: in vitro. Allele origin: not applicable. Functional consequence: retained intron. Not counted in ClinVar's aggregate classification.

Dr. Peter K. Rogan Lab, Western University
No classification provided (evidence only). Condition: Clear cell carcinoma of kidney. Review status: no classification provided. Collection method: in vitro. Allele origin: not applicable. Functional consequence: retained intron. Not counted in ClinVar's aggregate classification.

Dr. Peter K. Rogan Lab, Western University
No classification provided (evidence only). Condition: Clear cell carcinoma of kidney. Review status: no classification provided. Collection method: in vitro. Allele origin: not applicable. Functional consequence: retained intron. Not counted in ClinVar's aggregate classification.

Dr. Peter K. Rogan Lab, Western University
No classification provided (evidence only). Condition: Clear cell carcinoma of kidney. Review status: no classification provided. Collection method: in vitro. Allele origin: not applicable. Functional consequence: retained intron. Not counted in ClinVar's aggregate classification.

Dr. Peter K. Rogan Lab, Western University
No classification provided (evidence only). Condition: Clear cell carcinoma of kidney. Review status: no classification provided. Collection method: in vitro. Allele origin: not applicable. Functional consequence: retained intron. Not counted in ClinVar's aggregate classification.

Dr. Peter K. Rogan Lab, Western University
No classification provided (evidence only). Condition: Clear cell carcinoma of kidney. Review status: no classification provided. Collection method: in vitro. Allele origin: not applicable. Functional consequence: retained intron. Not counted in ClinVar's aggregate classification.

Dr. Peter K. Rogan Lab, Western University
No classification provided (evidence only). Condition: Clear cell carcinoma of kidney. Review status: no classification provided. Collection method: in vitro. Allele origin: not applicable. Functional consequence: retained intron. Not counted in ClinVar's aggregate classification.

Dr. Peter K. Rogan Lab, Western University
No classification provided (evidence only). Condition: Clear cell carcinoma of kidney. Review status: no classification provided. Collection method: in vitro. Allele origin: not applicable. Functional consequence: retained intron. Not counted in ClinVar's aggregate classification.

Dr. Peter K. Rogan Lab, Western University
No classification provided (evidence only). Condition: Clear cell carcinoma of kidney. Review status: no classification provided. Collection method: in vitro. Allele origin: not applicable. Functional consequence: retained intron. Not counted in ClinVar's aggregate classification.

Dr. Peter K. Rogan Lab, Western University
No classification provided (evidence only). Condition: Lung cancer. Review status: no classification provided. Collection method: in vitro. Allele origin: not applicable. Functional consequence: retained intron. Not counted in ClinVar's aggregate classification.

Dr. Peter K. Rogan Lab, Western University
No classification provided (evidence only). Condition: Lung cancer. Review status: no classification provided. Collection method: in vitro. Allele origin: not applicable. Functional consequence: retained intron. Not counted in ClinVar's aggregate classification.

Dr. Peter K. Rogan Lab, Western University
No classification provided (evidence only). Condition: Lung cancer. Review status: no classification provided. Collection method: in vitro. Allele origin: not applicable. Functional consequence: retained intron. Not counted in ClinVar's aggregate classification.

Dr. Peter K. Rogan Lab, Western University
No classification provided (evidence only). Condition: Acute myeloid leukemia. Review status: no classification provided. Collection method: in vitro. Allele origin: not applicable. Functional consequence: retained intron. Not counted in ClinVar's aggregate classification.

Dr. Peter K. Rogan Lab, Western University
No classification provided (evidence only). Condition: Acute myeloid leukemia. Review status: no classification provided. Collection method: in vitro. Allele origin: not applicable. Functional consequence: skipped exon, retained intron. Not counted in ClinVar's aggregate classification.

Dr. Peter K. Rogan Lab, Western University
No classification provided (evidence only). Condition: Acute myeloid leukemia. Review status: no classification provided. Collection method: in vitro. Allele origin: not applicable. Functional consequence: retained intron. Not counted in ClinVar's aggregate classification.

Dr. Peter K. Rogan Lab, Western University
No classification provided (evidence only). Condition: Acute myeloid leukemia. Review status: no classification provided. Collection method: in vitro. Allele origin: not applicable. Functional consequence: retained intron. Not counted in ClinVar's aggregate classification.

Dr. Peter K. Rogan Lab, Western University
No classification provided (evidence only). Condition: Acute myeloid leukemia. Review status: no classification provided. Collection method: in vitro. Allele origin: not applicable. Functional consequence: retained intron. Not counted in ClinVar's aggregate classification.

Dr. Peter K. Rogan Lab, Western University
No classification provided (evidence only). Condition: Acute myeloid leukemia. Review status: no classification provided. Collection method: in vitro. Allele origin: not applicable. Functional consequence: retained intron. Not counted in ClinVar's aggregate classification.

Dr. Peter K. Rogan Lab, Western University
No classification provided (evidence only). Condition: Colon adenocarcinoma. Review status: no classification provided. Collection method: in vitro. Allele origin: not applicable. Functional consequence: skipped exon. Not counted in ClinVar's aggregate classification.

Dr. Peter K. Rogan Lab, Western University
No classification provided (evidence only). Condition: Colon adenocarcinoma. Review status: no classification provided. Collection method: in vitro. Allele origin: not applicable. Functional consequence: retained intron. Not counted in ClinVar's aggregate classification.

Dr. Peter K. Rogan Lab, Western University
No classification provided (evidence only). Condition: Colon adenocarcinoma. Review status: no classification provided. Collection method: in vitro. Allele origin: not applicable. Functional consequence: retained intron. Not counted in ClinVar's aggregate classification.

Dr. Peter K. Rogan Lab, Western University
No classification provided (evidence only). Condition: Thyroid cancer, nonmedullary, 1. Review status: no classification provided. Collection method: in vitro. Allele origin: not applicable. Functional consequence: skipped exon. Not counted in ClinVar's aggregate classification.

Dr. Peter K. Rogan Lab, Western University
No classification provided (evidence only). Condition: Thyroid cancer, nonmedullary, 1. Review status: no classification provided. Collection method: in vitro. Allele origin: not applicable. Functional consequence: retained intron. Not counted in ClinVar's aggregate classification.

NM_007055.4(POLR3A):c.2997G>T (p.Val999=)

Gene: POLR3A (RNA polymerase III subunit A; minus strand). Cytogenetic location: 10q22.3.
Variant type: single nucleotide variant.
Coding change: c.2997G>T on transcript NM_007055.4 (MANE Select); coding-DNA position 2997, G replaced by T.
Protein change: p.Val999=; no amino-acid change (valine 999 retained).
Molecular consequence: synonymous variant.
Genome position (GRCh38, 1-based): chr10:77,985,977, C>A on the plus strand (G>T on the coding strand, the complement: POLR3A is on the minus strand). VCF-style: chr10-77985977-C-A. GRCh37 (hg19) VCF-style: chr10-79745735-C-A.
Other names: p.Val999=.
Identifiers: ClinVar variation 301050 (VCV000301050.17), dbSNP rs12241228, ClinGen allele CA5570950.